The following is an entry in ClinVar:

ClinVar aggregate classification (germline): Pathogenic (1 of 4 stars; one submission).

Submission:

Quest Diagnostics Nichols Institute San Juan Capistrano
Classification: Pathogenic. Last evaluated: 2023-03-29. Review status: criteria provided, single submitter. Criteria: ACMG/ClinGen CNV Guidelines, 2019. Collection method: clinical testing. Allele origin: unknown.
Comment: This copy number loss involves multiple genes, including RAI1 (607642), haploinsufficiency of which is associated with Smith-Magenis syndrome (OMIM 182290; Rehm et al., N Engl J Med. 2015 Jun 4;372(23):2235-42. PMID: 26014595 (HGNC:9834); Falco et al., Appl Clin Genet. 2017 Nov 3;10:85-94. PMID: 29138588; Girirajan et al., Genet Med. 2006 Jul;8(7):417-27. PMID: 16845274; Gropman et al., Curr Opin Neurol. 2007 Apr;20(2):125-34. PMID: 17351481; Rinaldi et al., Genes (Basel). 2022 Feb 11;13(2):335. PMID: 35205380). See GeneReviews for additional information and references.

GRCh37/hg19 17p11.2(chr17:16727264-20310241)x1

Genes: AKAP10 (A-kinase anchoring protein 10; minus strand), ALDH3A1 (aldehyde dehydrogenase 3 family member A1; minus strand), ALDH3A2 (aldehyde dehydrogenase 3 family member A2; plus strand), ALKBH5 (alkB homolog 5, RNA demethylase; plus strand), ATPAF2 (ATP synthase mitochondrial F1 complex assembly factor 2; minus strand) and 44 more. Cytogenetic location: 17p11.2.
Variant type: copy number loss.
Change: copy number 1 (one copy instead of two) of chr17:16,727,264-20,310,241 (3.58 Mb, GRCh37 coordinates, 1-based), cytogenetic band 17p11.2.
Identifiers: ClinVar variation 564408 (VCV000564408.3).